The following is an entry in ClinVar:

ClinVar aggregate classification (germline): Pathogenic/Likely pathogenic. Review status: criteria provided, multiple submitters, no conflicts (2 of 4 stars). 2 submissions from 2 submitters: Pathogenic (1); Likely pathogenic (1). Last evaluated 2025-08-29.

Conditions:
Hypophosphatasia. Also called: Phosphoethanol-aminuria. Identifiers: Orphanet 436, MedGen C0020630, MeSH D007014, MONDO:0018570.

Submissions (2):

Genomenon, Inc
Classification: Pathogenic for Hypophosphatasia. Last evaluated: 2025-08-29. Review status: criteria provided, single submitter. Criteria: Genomenon Sequence Variant Interpretation Standards. Collection method: curation. Allele origin: germline. Affected: yes.
Comment: ALPL p.Met226GlnfsTer52 (c.675_676insCA) is a frameshift variant that results in the production of a truncated protein which is predicted to undergo nonsense-mediated mRNA decay. This variant has been observed in a proband affected with hypophosphatasia (PMID:33404770). It is absent or not present at a significant frequency in gnomAD. In conclusion, we classify ALPL p.Met226GlnfsTer52 (c.675_676insCA) as a pathogenic variant.

JKU Lab, Dept of Paediatrics, Johannes Kepler University
Classification: Likely pathogenic for Hypophosphatasia. Last evaluated: 2023-04-25. Review status: criteria provided, single submitter. Criteria: ACMG Guidelines, 2015. Collection method: clinical testing. Allele origin: germline. Affected: yes. Observed: 1 heterozygote.
Comment: Absent in GnomAD. The ACMG criteria applied can be looked up in the ALPL gene variant database.

Literature cited by the submitters: PubMed 33404770 (cited by Genomenon, Inc and JKU Lab, Dept of Paediatrics, Johannes Kepler University).

NM_000478.6(ALPL):c.675_676insCA (p.Met226fs)

Gene: ALPL (alkaline phosphatase, biomineralization associated; plus strand). Cytogenetic location: 1p36.12.
Variant type: Insertion.
Coding change: c.675_676insCA on transcript NM_000478.6 (MANE Select); coding-DNA positions 675 to 676, CA inserted.
Protein change: p.Met226fs; shifts the reading frame from methionine 226.
Molecular consequence: frameshift variant.
Genome position: GRCh38 VCF-style: chr1-21568130-C-CCA. GRCh37 (hg19) VCF-style: chr1-21894623-C-CCA.
Other names: c.510_511insCA, p.Met171fs (NM_001127501.4); c.444_445insCA, p.Met149fs (NM_001177520.3); c.675_676insCA, p.Met226fs (NM_001369803.2, NM_001369804.2, NM_001369805.2); short protein forms M149fs, M171fs, M226fs.
Identifiers: ClinVar variation 2671813 (VCV002671813.2), dbSNP rs2545317081, ClinGen allele CA2695197984.